The following is an entry in ClinVar:

NM_024915.4(GRHL2):c.1245C>T (p.Val415=)

Gene: GRHL2 (grainyhead like transcription factor 2; plus strand). Cytogenetic location: 8q22.3.
Variant type: single nucleotide variant.
Coding change: c.1245C>T on transcript NM_024915.4 (MANE Select); coding-DNA position 1245, C replaced by T.
Protein change: p.Val415=; no amino-acid change (valine 415 retained).
Molecular consequence: synonymous variant.
Genome position (GRCh38, 1-based): chr8:101,619,685, C>T. VCF-style: chr8-101619685-C-T. GRCh37 (hg19) VCF-style: chr8-102631913-C-T.
Other names: c.1197C>T, p.Val399= (NM_001330593.2).
Identifiers: ClinVar variation 1201866 (VCV001201866.13), dbSNP rs779878869, ClinGen allele CA4830510.

ClinVar aggregate classification (germline): Likely benign. Review status: criteria provided, multiple submitters, no conflicts (2 of 4 stars). 3 submissions from 3 submitters: Likely benign (2). 1 of the submissions does not count toward it. Last evaluated 2024-07-23.

Conditions:
GRHL2-related disorder. Also called: GRHL2-related disorders; GRHL2-related condition.

Allele frequency attached by ClinVar (database versions not stated): ExAC 0.00002; gnomAD exomes 0.00002 and 0.00009; gnomAD 0.00005; TOPMed 0.00009.
gnomAD v4.1: 35 of 1,612,360 alleles (0.0022%); highest among the groups gnomAD compares: Admixed American, 0.058%; no homozygotes.

Submissions (3):

Labcorp Genetics (formerly Invitae), Labcorp
Classification: Likely benign. Last evaluated: 2024-07-23. Review status: criteria provided, single submitter. Criteria: Invitae Variant Classification Sherloc (09022015). Collection method: clinical testing. Allele origin: germline.

GeneDx
Classification: Likely benign. Last evaluated: 2019-12-18. Review status: criteria provided, single submitter. Criteria: GeneDx Variant Classification Process June 2021. Collection method: clinical testing. Allele origin: germline. Affected: yes.

PreventionGenetics, part of Exact Sciences
Classification: Likely benign for GRHL2-related condition. Last evaluated: 2019-09-26. Review status: no assertion criteria provided. Collection method: clinical testing. Allele origin: germline. Not counted in ClinVar's aggregate classification.
Comment: This variant is classified as likely benign based on ACMG/AMP sequence variant interpretation guidelines (Richards et al. 2015 PMID: 25741868, with internal and published modifications).